The following is an entry in ClinVar:

NM_015041.3(CLUAP1):c.322A>T (p.Met108Leu)

Gene: CLUAP1 (clusterin associated protein 1; plus strand). Cytogenetic location: 16p13.3.
Variant type: single nucleotide variant.
Coding change: c.322A>T on transcript NM_015041.3 (MANE Select); coding-DNA position 322, A replaced by T.
Protein change: p.Met108Leu; replaces methionine 108 with leucine.
Molecular consequence: missense variant.
Genome position (GRCh38, 1-based): chr16:3,508,391, A>T. VCF-style: chr16-3508391-A-T. GRCh37 (hg19) VCF-style: chr16-3558391-A-T.
Other names: c.322A>T, p.Met108Leu (NM_001330454.2); short protein forms M108L.
Identifiers: ClinVar variation 3494022 (VCV003494022.3).
Genomic context (GRCh38, chr16:3,508,391, plus strand): 5'-CAAGCAGATGGGTATGCGGTAAAAGAGCTGCTGAAGATCACATCTGTCCTTTATAATGCT[A>T]TGAAGACCAAGGGGATGGAGGGCTCTGAAATAGTAGAGGAAGATGTCAACAAGTTCAAGT-3'
Protein context (NP_055856.1, residues 98-118): LKITSVLYNA[Met108Leu]KTKGMEGSEI

ClinVar aggregate classification (germline): Uncertain significance. Review status: criteria provided, multiple submitters, no conflicts (2 of 4 stars). 2 submissions from 2 submitters: Uncertain significance (2). Last evaluated 2025-01-01.

Submissions (2):

Labcorp Genetics (formerly Invitae), Labcorp
Classification: Uncertain significance. Last evaluated: 2025-01-01. Review status: criteria provided, single submitter. Criteria: Invitae Variant Classification Sherloc (09022015). Collection method: clinical testing. Allele origin: germline.
Comment: This sequence change replaces methionine, which is neutral and non-polar, with leucine, which is neutral and non-polar, at codon 108 of the CLUAP1 protein (p.Met108Leu). This variant is not present in population databases (gnomAD no frequency). This variant has not been reported in the literature in individuals affected with CLUAP1-related conditions. Invitae Evidence Modeling of protein sequence and biophysical properties (such as structural, functional, and spatial information, amino acid conservation, physicochemical variation, residue mobility, and thermodynamic stability) indicates that this missense variant is not expected to disrupt CLUAP1 protein function with a negative predictive value of 80%. In summary, the available evidence is currently insufficient to determine the role of this variant in disease. Therefore, it has been classified as a Variant of Uncertain Significance.

Ambry Genetics
Classification: Uncertain significance. Last evaluated: 2024-10-29. Review status: criteria provided, single submitter. Criteria: Ambry Variant Classification Scheme 2023. Collection method: clinical testing. Allele origin: germline.